The following is an entry in ClinVar:

NM_003413.4(ZIC3):c.308G>A (p.Ser103Asn)

Gene: ZIC3 (Zic family zinc finger 3; plus strand). Cytogenetic location: Xq26.3.
Variant type: single nucleotide variant.
Coding change: c.308G>A on transcript NM_003413.4 (MANE Select); coding-DNA position 308, G replaced by A.
Protein change: p.Ser103Asn; replaces serine 103 with asparagine.
Molecular consequence: missense variant.
Genome position (GRCh38, 1-based): chrX:137,566,999, G>A. VCF-style: chrX-137566999-G-A. GRCh37 (hg19) VCF-style: chrX-136649158-G-A.
Other names: c.308G>A, p.Ser103Asn (NM_001330661.1); short protein forms S103N.
Identifiers: ClinVar variation 4882271 (VCV004882271.2).

ClinVar aggregate classification (germline): Uncertain significance (1 of 4 stars; one submission).

gnomAD v4.1: 1 of 1,167,479 alleles (0.000086%); highest among the groups gnomAD compares: Non-Finnish European, 0.00011%; no homozygotes.

Submission:

Dasa
Classification: Uncertain significance. Last evaluated: 2024-12-30. Review status: criteria provided, single submitter. Criteria: DASA Assertion Criteria. Collection method: clinical testing. Allele origin: germline.
Comment: NM_003413.4(ZIC3):c.308G>A (p.Ser103Asn) is a missense variant that results in the substitution of serine with asparagine. This variant is rare in population databases. Computational prediction algorithms are consistent with a benign effect. The currently available literature and clinical evidence are not sufficient to establish a definitive association between this variant and the reported condition. Therefore, this variant is classified as a variant of uncertain significance.